The following is an entry in ClinVar:

NM_014727.3(KMT2B):c.6796A>G (p.Ser2266Gly)

Gene: KMT2B (lysine methyltransferase 2B; plus strand). Cytogenetic location: 19q13.12.
Variant type: single nucleotide variant.
Coding change: c.6796A>G on transcript NM_014727.3 (MANE Select); coding-DNA position 6796, A replaced by G.
Protein change: p.Ser2266Gly; replaces serine 2266 with glycine.
Molecular consequence: missense variant.
Genome position (GRCh38, 1-based): chr19:35,733,345, A>G. VCF-style: chr19-35733345-A-G. GRCh37 (hg19) VCF-style: chr19-36224246-A-G.
Other names: c.6796A>G (NM_014727.1); short protein forms S2266G.
Identifiers: ClinVar variation 3339693 (VCV003339693.4).
Genomic context (GRCh38, chr19:35,733,345, plus strand): 5'-GTCGGAGTGGTCCGCCCTGCCCCGCCCCCGCCACCCCCTCCCCTGACGCTGGTGCTGAGC[A>G]GTGGGCCAGCCAGCCCGCCCCGCCAGGCCATCCGCGTCAAGAGGGTGTCCACTTTCTCCG-3'
Protein context (NP_055542.1, residues 2256-2276): PPPPLTLVLS[Ser2266Gly]GPASPPRQAI

ClinVar aggregate classification (germline): Conflicting classifications of pathogenicity. Review status: criteria provided, conflicting classifications (1 of 4 stars). 3 submissions from 3 submitters: Uncertain significance (2); Likely benign (1). Last evaluated 2025-11-08.

Conditions:
Inborn genetic diseases. Identifiers: MedGen C0950123, MeSH D030342.

Submissions (3):

Ambry Genetics
Classification: Uncertain significance for Inborn genetic diseases. Last evaluated: 2025-11-08. Review status: criteria provided, single submitter. Criteria: Ambry Variant Classification Scheme 2023. Collection method: clinical testing. Allele origin: germline.

Labcorp Genetics (formerly Invitae), Labcorp
Classification: Likely benign. Last evaluated: 2024-10-30. Review status: criteria provided, single submitter. Criteria: Invitae Variant Classification Sherloc (09022015). Collection method: clinical testing. Allele origin: germline.

Women's Health and Genetics/Laboratory Corporation of America, LabCorp
Classification: Uncertain significance. Last evaluated: 2024-06-07. Review status: criteria provided, single submitter. Criteria: LabCorp Variant Classification Summary - May 2015. Collection method: clinical testing. Allele origin: germline.
Comment: Variant summary: KMT2B c.6796A>G (p.Ser2266Gly) results in a non-conservative amino acid change in the encoded protein sequence. Three of five in-silico tools predict a benign effect of the variant on protein function. The variant allele was found at a frequency of 6.8e-06 in 146096 control chromosomes. The available data on variant occurrences in the general population are insufficient to allow any conclusion about variant significance. To our knowledge, no occurrence of c.6796A>G in individuals affected with Dystonia 28, Childhood-Onset and no experimental evidence demonstrating its impact on protein function have been reported. No submitters have cited clinical-significance assessments for this variant to ClinVar. Based on the evidence outlined above, the variant was classified as uncertain significance.